The following is an entry in ClinVar:

NM_001754.5(RUNX1):c.1287G>C (p.Leu429=)

Gene: RUNX1 (RUNX family transcription factor 1; minus strand). Cytogenetic location: 21q22.12.
Variant type: single nucleotide variant.
Coding change: c.1287G>C on transcript NM_001754.5 (MANE Select); coding-DNA position 1287, G replaced by C.
Protein change: p.Leu429=; no amino-acid change (leucine 429 retained).
Molecular consequence: synonymous variant.
Genome position (GRCh38, 1-based): chr21:34,792,291, C>G on the plus strand (G>C on the coding strand, the complement: RUNX1 is on the minus strand). VCF-style: chr21-34792291-C-G. GRCh37 (hg19) VCF-style: chr21-36164588-C-G.
Other names: NM_001754.5(RUNX1):c.1287G>C; p.Leu429=; c.1206G>C, p.Leu402= (NM_001001890.3).
Identifiers: ClinVar variation 1552933 (VCV001552933.9), dbSNP rs1213507506, ClinGen allele CA512341114.

ClinVar aggregate classification (germline): Likely benign. Review status: reviewed by expert panel (3 of 4 stars). 2 submissions from 2 submitters: Likely benign (1). 1 of the submissions does not count toward it. Last evaluated 2024-09-10.

Conditions:
Hereditary thrombocytopenia and hematologic cancer predisposition syndrome. Identifiers: Orphanet 71290, MedGen CN281654, MONDO:0011071.
Hereditary thrombocytopenia and hematological cancer predisposition syndrome associated with RUNX1. Also called: RUNX1 Familial Platelet Disorder with Associated Myeloid Malignancies; Familial Platelet Disorder with Propensity to Acute Myelogenous Leukemia; Familial thrombocytopenia with propensity to acute myelogenous leukemia; PLATELET DISORDER, ASPIRIN-LIKE. Identifiers: Orphanet 71290, MedGen C1832388, MeSH C563324, MONDO:0100083, OMIM 601399.

Submissions (2):

ClinGen Myeloid Malignancy Variant Curation Expert Panel
Classification: Likely benign for Hereditary thrombocytopenia and hematologic cancer predisposition syndrome. Last evaluated: 2024-09-10. Review status: reviewed by expert panel. Criteria: ClinGen MyeloMalig ACMG Specifications v2. Collection method: curation. Allele origin: germline. Inheritance: Autosomal dominant inheritance.
Comment: NM_001754.5(RUNX1):c.1287G>C (p.Leu429=) is a synonymous variant which has a SpliceAI score ≤ 0.20 (0) (BP4). This variant has a SpliceAI score ≤ 0.20 (0) and evolutionary conservation algorithms predict the site as not being conserved (PhyloP score ≤ 2.0 (0.87)) (BP7). In summary, this variant meets criteria to be classified as likely benign. ACMG/AMP criteria applied, as specified by the Myeloid Malignancy Variant Curation Expert Panel for RUNX1: BP4, BP7.

Labcorp Genetics (formerly Invitae), Labcorp
Classification: Likely benign for Hereditary thrombocytopenia and hematological cancer predisposition syndrome associated with RUNX1. Last evaluated: 2021-04-22. Review status: criteria provided, single submitter. Criteria: Invitae Variant Classification Sherloc (09022015). Collection method: clinical testing. Allele origin: germline. Not counted in ClinVar's aggregate classification.